The following is an entry in ClinVar:

ClinVar aggregate classification (germline): Likely benign. Review status: criteria provided, multiple submitters, no conflicts (2 of 4 stars). 2 submissions from 2 submitters: Likely benign (2). Last evaluated 2025-05-01.

gnomAD v4.1: 9 of 1,614,074 alleles (0.00056%); highest among the groups gnomAD compares: Admixed American, 0.0067%; no homozygotes.

Submissions (2):

CeGaT Center for Human Genetics Tuebingen
Classification: Likely benign. Last evaluated: 2025-05-01. Review status: criteria provided, single submitter. Criteria: CeGaT Center For Human Genetics Tuebingen Variant Classification Criteria Version 2. Collection method: clinical testing. Allele origin: germline. Affected: yes. Observed: 1 variant allele.
Comment: GATAD2B: BP4, BP7

Labcorp Genetics (formerly Invitae), Labcorp
Classification: Likely benign. Last evaluated: 2024-04-15. Review status: criteria provided, single submitter. Criteria: Invitae Variant Classification Sherloc (09022015). Collection method: clinical testing. Allele origin: germline.

NM_020699.4(GATAD2B):c.1060T>C (p.Leu354=)

Gene: GATAD2B (GATA zinc finger domain containing 2B; minus strand). Cytogenetic location: 1q21.3.
Variant type: single nucleotide variant.
Coding change: c.1060T>C on transcript NM_020699.4 (MANE Select); coding-DNA position 1060, T replaced by C.
Protein change: p.Leu354=; no amino-acid change (leucine 354 retained).
Molecular consequence: synonymous variant.
Genome position (GRCh38, 1-based): chr1:153,816,429, A>G on the plus strand (T>C on the coding strand, the complement: GATAD2B is on the minus strand). VCF-style: chr1-153816429-A-G. GRCh37 (hg19) VCF-style: chr1-153788905-A-G.
Identifiers: ClinVar variation 3605088 (VCV003605088.12).
Genomic context (GRCh38, chr1:153,816,429, plus strand): 5'-CAGGAGGTTTAGGGGGTGGGATCTCCAGGAGTGTCTTTTCCAGCTGTTTGCGAAGAGCCA[A>G]TTTGGCTGCAGCCTGTGAGTTGGCAGCATCAGTCATGGCGCTGGGGCTAGGAAGTGGCGA-3'
Protein context (NP_065750.1, residues 344-364): DAANSQAAAK[Leu354=]ALRKQLEKTL